The following is an entry in ClinVar:

NM_006914.4(RORB):c.283G>A (p.Ala95Thr)

Gene: RORB (RAR related orphan receptor B; plus strand). Cytogenetic location: 9q21.13.
Variant type: single nucleotide variant.
Coding change: c.283G>A on transcript NM_006914.4 (MANE Select); coding-DNA position 283, G replaced by A.
Protein change: p.Ala95Thr; replaces alanine 95 with threonine.
Molecular consequence: missense variant.
Genome position (GRCh38, 1-based): chr9:74,642,461, G>A. VCF-style: chr9-74642461-G-A. GRCh37 (hg19) VCF-style: chr9-77257377-G-A.
Other names: c.316G>A, p.Ala106Thr (NM_001365023.1); c.283G>A (NM_006914.3); short protein forms A106T, A95T.
Identifiers: ClinVar variation 1516453 (VCV001516453.9), dbSNP rs1257697149, ClinGen allele CA373769514.

ClinVar aggregate classification (germline): Uncertain significance. Review status: criteria provided, multiple submitters, no conflicts (2 of 4 stars). 2 submissions from 2 submitters: Uncertain significance (2). Last evaluated 2025-05-22.

Conditions:
Inborn genetic diseases. Identifiers: MedGen C0950123, MeSH D030342.

Allele frequency attached by ClinVar (database versions not stated): gnomAD exomes below 0.00001.
gnomAD v4.1: 1 of 1,614,164 alleles (0.000062%); highest among the groups gnomAD compares: Non-Finnish European, 0.000085%; no homozygotes.

Submissions (2):

Labcorp Genetics (formerly Invitae), Labcorp
Classification: Uncertain significance. Last evaluated: 2025-05-22. Review status: criteria provided, single submitter. Criteria: Invitae Variant Classification Sherloc (09022015). Collection method: clinical testing. Allele origin: germline.
Comment: This sequence change replaces alanine, which is neutral and non-polar, with threonine, which is neutral and polar, at codon 95 of the RORB protein (p.Ala95Thr). The frequency data for this variant in the population databases is considered unreliable, as metrics indicate poor data quality at this position in the gnomAD database. This variant has not been reported in the literature in individuals affected with RORB-related conditions. ClinVar contains an entry for this variant (Variation ID: 1516453). An algorithm developed to predict the effect of missense changes on protein structure and function (PolyPhen-2) suggests that this variant is likely to be tolerated. In summary, the available evidence is currently insufficient to determine the role of this variant in disease. Therefore, it has been classified as a Variant of Uncertain Significance.

Ambry Genetics
Classification: Uncertain significance for Inborn genetic diseases. Last evaluated: 2024-10-28. Review status: criteria provided, single submitter. Criteria: Ambry Variant Classification Scheme 2023. Collection method: clinical testing. Allele origin: germline.